The following is an entry in ClinVar:

ClinVar aggregate classification (germline): Conflicting classifications of pathogenicity. Review status: criteria provided, conflicting classifications (1 of 4 stars). 2 submissions from 2 submitters: Uncertain significance (1); Likely benign (1). Last evaluated 2025-06-30.

gnomAD v4.1: 411 of 1,446,950 alleles (0.028%); highest among the groups gnomAD compares: Admixed American, 0.089%; no homozygotes.

Submissions (2):

Women's Health and Genetics/Laboratory Corporation of America, LabCorp
Classification: Uncertain significance. Last evaluated: 2025-06-30. Review status: criteria provided, single submitter. Criteria: LabCorp Variant Classification Summary - May 2015. Collection method: clinical testing. Allele origin: germline.
Comment: Variant summary: NBEA c.6177T>C (p.His2059His) alters a conserved nucleotide located close to a canonical splice site and therefore could affect mRNA splicing, leading to a significantly altered protein sequence. Consensus agreement among computation tools predict no significant impact on normal splicing. However, these predictions have yet to be confirmed by functional studies. The variant allele was found at a frequency of 0.0003 in 195998 control chromosomes, predominantly at a frequency of 0.00083 within the Latino subpopulation in the gnomAD database. This frequency is not significantly higher than estimated for a pathogenic variant in NBEA causing Neurodevelopmental Disorder With Or Without Early-Onset Generalized Epilepsy, allowing no conclusion about variant significance. To our knowledge, no occurrence of c.6177T>C in individuals affected with Neurodevelopmental Disorder With Or Without Early-Onset Generalized Epilepsy and no experimental evidence demonstrating its impact on protein function have been reported. No submitters have cited clinical-significance assessments for this variant to ClinVar. Based on the evidence outlined above, the variant was classified as uncertain significance.

Blueprint Genetics
Classification: Likely benign. Last evaluated: 2024-10-30. Review status: criteria provided, single submitter. Criteria: ACMG Guidelines, 2015. Collection method: clinical testing. Allele origin: germline.

NM_001385012.1(NBEA):c.6177T>C (p.His2059=)

Gene: NBEA (neurobeachin; plus strand). Cytogenetic location: 13q13.3.
Variant type: single nucleotide variant.
Coding change: c.6177T>C on transcript NM_001385012.1 (MANE Select); coding-DNA position 6177, T replaced by C.
Protein change: p.His2059=; no amino-acid change (histidine 2059 retained).
Molecular consequence: synonymous variant.
Genome position (GRCh38, 1-based): chr13:35,352,321, T>C. VCF-style: chr13-35352321-T-C. GRCh37 (hg19) VCF-style: chr13-35926458-T-C.
Other names: c.6168T>C, p.His2056= (NM_001379245.1); c.6177T>C, p.His2059= (NM_015678.5).
Identifiers: ClinVar variation 3907503 (VCV003907503.2).